The following is an entry in ClinVar:

ClinVar aggregate classification (germline): Pathogenic (1 of 4 stars; one submission).

Conditions:
Aicardi-Goutieres syndrome 7 (AGS7). Identifiers: Orphanet 51, MedGen C3888244, MONDO:0014367, OMIM 615846.
Singleton-Merten syndrome 1 (SGMRT1). Also called: Widened medullary cavities of bone, aortic calcification, abnormal dentition, and muscular weakness; Syndrome of widened medullary cavities of the metacarpals and phalanges, aortic calcification and abnormal dentition. Identifiers: Orphanet 85191, MedGen C4225427, MONDO:0024535, OMIM 182250.

Submission:

Labcorp Genetics (formerly Invitae), Labcorp
Classification: Pathogenic for Aicardi-Goutieres syndrome 7; Singleton-Merten syndrome 1. Last evaluated: 2021-02-04. Review status: criteria provided, single submitter. Criteria: Invitae Variant Classification Sherloc (09022015). Collection method: clinical testing. Allele origin: germline.
Comment: This sequence change replaces leucine with tryptophan at codon 979 of the IFIH1 protein (p.Leu979Trp). The leucine residue is moderately conserved and there is a small physicochemical difference between leucine and tryptophan. For these reasons, this variant has been classified as Pathogenic. Experimental studies have shown that this variant affects IFIH1 protein function (PMID: 31898846). This variant has been observed in individual(s) with clinical features of Aicardi Goutieres syndrome (PMID: 31898846, Invitae). In at least one individual the variant was observed to be de novo. ClinVar contains an entry for this variant (Variation ID: 541770). This variant is not present in population databases (ExAC no frequency).

Literature cited by the submitters: PubMed 31898846.

NM_022168.4(IFIH1):c.2936T>G (p.Leu979Trp)

Gene: IFIH1 (interferon induced with helicase C domain 1; minus strand). Cytogenetic location: 2q24.2.
Variant type: single nucleotide variant.
Coding change: c.2936T>G on transcript NM_022168.4 (MANE Select); coding-DNA position 2936, T replaced by G.
Protein change: p.Leu979Trp; replaces leucine 979 with tryptophan.
Molecular consequence: missense variant.
Genome position (GRCh38, 1-based): chr2:162,267,342, A>C on the plus strand (T>G on the coding strand, the complement: IFIH1 is on the minus strand). VCF-style: chr2-162267342-A-C. GRCh37 (hg19) VCF-style: chr2-163123852-A-C.
Other names: c.2936T>G, p.Leu979Trp (LRG_1235t1); short protein forms L979W.
Identifiers: ClinVar variation 541770 (VCV000541770.8), dbSNP rs1553696482, ClinGen allele CA348989246.
Genomic context (GRCh38, chr2:162,267,342, plus strand): 5'-TGTTTCTTTGTTGAATTATTTTTGAAAACCACTACAAAATTCCTTATTTTGAGACAAGGC[A>C]AATCTAAGCCTTTGTGCACCATCATTGTTCCCCAAGCCTGGAAAACAAAAGAGAGAGCAA-3'
Protein context (NP_071451.2, residues 969-989): GTMMVHKGLD[Leu979Trp]PCLKIRNFVV